The following is an entry in ClinVar:

ClinVar aggregate classification (germline): Uncertain significance. Review status: criteria provided, multiple submitters, no conflicts (2 of 4 stars). 2 submissions from 2 submitters: Uncertain significance (2). Last evaluated 2023-07-17.

Conditions:
Hereditary cancer-predisposing syndrome. Also called: Neoplastic Syndromes, Hereditary; Tumor predisposition; Hereditary neoplastic syndrome; Hereditary Cancer Syndrome. Identifiers: Orphanet 140162, MedGen C0027672, MeSH D009386, MONDO:0015356.
Ataxia-telangiectasia-like disorder (ATLD). Identifiers: MedGen C1858391, MONDO:0011457.

Allele frequency attached by ClinVar (database versions not stated): gnomAD exomes below 0.00001; ESP Exome Variant Server 0.00008.
gnomAD v4.1: 4 of 1,611,596 alleles (0.00025%); highest among the groups gnomAD compares: Non-Finnish European, 0.00034%; no homozygotes.

Submissions (2):

Ambry Genetics
Classification: Uncertain significance for Hereditary cancer-predisposing syndrome. Last evaluated: 2023-07-17. Review status: criteria provided, single submitter. Criteria: Ambry Variant Classification Scheme 2023. Collection method: clinical testing. Allele origin: germline.
Comment: The p.Y190C variant (also known as c.569A>G), located in coding exon 6 of the MRE11A gene, results from an A to G substitution at nucleotide position 569. The tyrosine at codon 190 is replaced by cysteine, an amino acid with highly dissimilar properties. This amino acid position is highly conserved in available vertebrate species. In addition, this alteration is predicted to be deleterious by in silico analysis. Since supporting evidence is limited at this time, the clinical significance of this alteration remains unclear.

Labcorp Genetics (formerly Invitae), Labcorp
Classification: Uncertain significance for Ataxia-telangiectasia-like disorder. Last evaluated: 2021-11-17. Review status: criteria provided, single submitter. Criteria: Invitae Variant Classification Sherloc (09022015). Collection method: clinical testing. Allele origin: germline.
Comment: This sequence change replaces tyrosine, which is neutral and polar, with cysteine, which is neutral and slightly polar, at codon 190 of the MRE11 protein (p.Tyr190Cys). This variant is not present in population databases (gnomAD no frequency). This variant has not been reported in the literature in individuals affected with MRE11-related conditions. ClinVar contains an entry for this variant (Variation ID: 825902). Algorithms developed to predict the effect of missense changes on protein structure and function (SIFT, PolyPhen-2, Align-GVGD) all suggest that this variant is likely to be disruptive. In summary, the available evidence is currently insufficient to determine the role of this variant in disease. Therefore, it has been classified as a Variant of Uncertain Significance.

NM_005591.4(MRE11):c.569A>G (p.Tyr190Cys)

Gene: MRE11 (MRE11 double strand break repair nuclease; minus strand). Cytogenetic location: 11q21.
Variant type: single nucleotide variant.
Coding change: c.569A>G on transcript NM_005591.4 (MANE Select); coding-DNA position 569, A replaced by G.
Protein change: p.Tyr190Cys; replaces tyrosine 190 with cysteine.
Molecular consequence: missense variant.
Genome position (GRCh38, 1-based): chr11:94,476,379, T>C on the plus strand (A>G on the coding strand, the complement: MRE11 is on the minus strand). VCF-style: chr11-94476379-T-C. GRCh37 (hg19) VCF-style: chr11-94209545-T-C.
Other names: c.569A>G, p.Tyr190Cys (NM_001330347.2, NM_005590.4); short protein forms Y190C.
Identifiers: ClinVar variation 825902 (VCV000825902.7), dbSNP rs148584947, ClinGen allele CA226532683.